The following is an entry in ClinVar:

ClinVar aggregate classification (germline): Likely pathogenic (1 of 4 stars; one submission).

Conditions:
Arrhythmogenic right ventricular dysplasia 8 (ARVD8). Also called: Arrhythmogenic Right Ventricular Dysplasia/Cardiomyopathy 8; ARRHYTHMOGENIC RIGHT VENTRICULAR DYSPLASIA, FAMILIAL, 8; ARRHYTHMOGENIC RIGHT VENTRICULAR CARDIOMYOPATHY 8. Identifiers: MedGen C1843896, MONDO:0011831, OMIM 607450.
Arrhythmogenic cardiomyopathy with wooly hair and keratoderma. Also called: PALMOPLANTAR KERATODERMA WITH LEFT VENTRICULAR CARDIOMYOPATHY AND WOOLLY HAIR; Carvajal syndrome; Dilated cardiomyopathy with woolly hair and keratoderma; Arrhythmogenic cardiomyopathy with woolly hair and keratoderma. Identifiers: Orphanet 65282, MedGen C1854063, MONDO:0011581, OMIM 605676.

Submission:

Labcorp Genetics (formerly Invitae), Labcorp
Classification: Likely pathogenic for Arrhythmogenic cardiomyopathy with wooly hair and keratoderma; Arrhythmogenic right ventricular dysplasia 8. Last evaluated: 2025-07-20. Review status: criteria provided, single submitter. Criteria: Invitae Variant Classification Sherloc (09022015). Collection method: clinical testing. Allele origin: germline.
Comment: This sequence change affects a donor splice site in intron 6 of the DSP gene. It is expected to disrupt RNA splicing. Variants that disrupt the donor or acceptor splice site typically lead to a loss of protein function (PMID: 16199547), and loss-of-function variants in DSP are known to be pathogenic (PMID: 20716751, 24503780, 25227139). This variant is not present in population databases (gnomAD no frequency). This variant has not been reported in the literature in individuals affected with DSP-related conditions. ClinVar contains an entry for this variant (Variation ID: 2937827). Algorithms developed to predict the effect of sequence changes on RNA splicing suggest that this variant may disrupt the consensus splice site. In summary, the currently available evidence indicates that the variant is pathogenic, but additional data are needed to prove that conclusively. Therefore, this variant has been classified as Likely Pathogenic.

Literature cited by the submitters: PubMed 16199547; PubMed 20716751; PubMed 24503780; PubMed 25227139.

NM_004415.4(DSP):c.777+2T>C

Gene: DSP (desmoplakin; plus strand). Cytogenetic location: 6p24.3.
Variant type: single nucleotide variant.
Coding change: c.777+2T>C on transcript NM_004415.4 (MANE Select); the canonical splice donor site of the intron after coding-DNA position 777, T replaced by C.
Molecular consequence: splice donor variant.
Genome position (GRCh38, 1-based): chr6:7,563,788, T>C. VCF-style: chr6-7563788-T-C. GRCh37 (hg19) VCF-style: chr6-7564021-T-C.
Other names: c.777+2T>C (NM_001319034.2, NM_001008844.3, NM_001406591.1).
Identifiers: ClinVar variation 2937827 (VCV002937827.3), dbSNP rs2533867187, ClinGen allele CA362673771.